The following is an entry in ClinVar:

NM_003493.3(H3-4):c.366T>C (p.Pro122=)

Gene: H3-4 (H3.4 histone, cluster member; minus strand). Cytogenetic location: 1q42.13.
Variant type: single nucleotide variant.
Coding change: c.366T>C on transcript NM_003493.3 (MANE Select); coding-DNA position 366, T replaced by C.
Protein change: p.Pro122=; no amino-acid change (proline 122 retained).
Molecular consequence: synonymous variant.
Genome position (GRCh38, 1-based): chr1:228,424,960, A>G on the plus strand (T>C on the coding strand, the complement: H3-4 is on the minus strand). VCF-style: chr1-228424960-A-G. GRCh37 (hg19) VCF-style: chr1-228612661-A-G.
Identifiers: ClinVar variation 2640060 (VCV002640060.24), dbSNP rs148262634, ClinGen allele CA1441311.

ClinVar aggregate classification (germline): Likely benign (1 of 4 stars; one submission).

Allele frequency attached by ClinVar (database versions not stated): gnomAD exomes 0.00005; ExAC 0.00017; 1000 Genomes Project 0.00020; 1000 Genomes Project 30x 0.00031; gnomAD 0.00052; TOPMed 0.00059; ESP Exome Variant Server 0.00069.

Submission:

CeGaT Center for Human Genetics Tuebingen
Classification: Likely benign. Last evaluated: 2022-09-01. Review status: criteria provided, single submitter. Criteria: CeGaT Center For Human Genetics Tuebingen Variant Classification Criteria Version 2. Collection method: clinical testing. Allele origin: germline. Affected: yes. Observed: 1 variant allele.
Comment: H3-4: BP4, BP7